The following is an entry in ClinVar:

NM_000289.6(PFKM):c.335A>G (p.Asn112Ser)

Gene: PFKM (phosphofructokinase, muscle; plus strand). Cytogenetic location: 12q13.11.
Variant type: single nucleotide variant.
Coding change: c.335A>G on transcript NM_000289.6 (MANE Select); coding-DNA position 335, A replaced by G.
Protein change: p.Asn112Ser; replaces asparagine 112 with serine.
Molecular consequence: missense variant. On other transcripts: non-coding transcript variant (6).
Genome position (GRCh38, 1-based): chr12:48,132,965, A>G. VCF-style: chr12-48132965-A-G. GRCh37 (hg19) VCF-style: chr12-48526748-A-G.
Other names: c.548A>G, p.Asn183Ser (NM_001354739.1, NM_001166686.2, NM_001354737.1 and 1 more transcripts); c.479A>G, p.Asn160Ser (NM_001354740.1); c.359A>G, p.Asn120Ser (NM_001354741.2); c.335A>G, p.Asn112Ser (NM_001354742.2, NM_001354743.2, NM_001354744.2 and 4 more transcripts); c.248A>G, p.Asn83Ser (NM_001354745.2); c.185A>G, p.Asn62Ser (NM_001354747.2, NM_001354748.2); c.644A>G, p.Asn215Ser (NM_001354735.1, NM_001354736.1); short protein forms N112S, N120S, N160S, N183S, N215S, N62S, N83S.
Identifiers: ClinVar variation 655370 (VCV000655370.8), dbSNP rs1592727517, ClinGen allele CA384542029.

ClinVar aggregate classification (germline): Uncertain significance (1 of 4 stars; one submission).

Conditions:
Glycogen storage disease, type VII (GSD7). Also called: PFKM DEFICIENCY; TARUI DISEASE; GSD VII; MUSCLE PHOSPHOFRUCTOKINASE DEFICIENCY. Identifiers: Orphanet 371, MedGen C0017926, MONDO:0009295, OMIM 232800.

Submission:

Labcorp Genetics (formerly Invitae), Labcorp
Classification: Uncertain significance for Glycogen storage disease, type VII. Last evaluated: 2018-08-28. Review status: criteria provided, single submitter. Criteria: Invitae Variant Classification Sherloc (09022015). Collection method: clinical testing. Allele origin: germline.
Comment: This sequence change replaces asparagine with serine at codon 112 of the PFKM protein (p.Asn112Ser). The asparagine residue is highly conserved and there is a small physicochemical difference between asparagine and serine. This variant is not present in population databases (ExAC no frequency). This variant has not been reported in the literature in individuals with PFKM-related disease. Algorithms developed to predict the effect of missense changes on protein structure and function are either unavailable or do not agree on the potential impact of this missense change (SIFT: "Tolerated"; PolyPhen-2: "Probably Damaging"; Align-GVGD: "Class C0"). In summary, the available evidence is currently insufficient to determine the role of this variant in disease. Therefore, it has been classified as a Variant of Uncertain Significance.